The following is an entry in ClinVar:

NM_002838.5(PTPRC):c.352C>A (p.Pro118Thr)

Gene: PTPRC (protein tyrosine phosphatase receptor type C; plus strand). Cytogenetic location: 1q31.3.
Variant type: single nucleotide variant.
Coding change: c.352C>A on transcript NM_002838.5 (MANE Select); coding-DNA position 352, C replaced by A.
Protein change: p.Pro118Thr; replaces proline 118 with threonine.
Molecular consequence: missense variant. On other transcripts: intron variant (1).
Genome position (GRCh38, 1-based): chr1:198,699,617, C>A. VCF-style: chr1-198699617-C-A. GRCh37 (hg19) VCF-style: chr1-198668746-C-A.
Other names: c.101-3681C>A (NM_080921.4); short protein forms P118T.
Identifiers: ClinVar variation 533058 (VCV000533058.9), dbSNP rs1553237882, ClinGen allele CA344097219.
Genomic context (GRCh38, chr1:198,699,617, plus strand): 5'-ACCTTAGGTGTTTCATCAGTACAGACGCCTCACCTTCCCACGCACGCAGACTCGCAGACG[C>A]CCTCTGCTGGAACTGACACGCAGACATTCAGCGGCTCCGCCGCCAATGCAAAACTCAACC-3'
Protein context (NP_002829.3, residues 108-128): HLPTHADSQT[Pro118Thr]SAGTDTQTFS

ClinVar aggregate classification (germline): Uncertain significance (1 of 4 stars; one submission).

Conditions:
Immunodeficiency 104. Also called: Severe combined immunodeficiency, autosomal recessive, T cell-negative, B cell-positive, NK cell-positive; SCID, AUTOSOMAL RECESSIVE, T CELL-NEGATIVE, B CELL-POSITIVE, NK CELL-POSITIVE; Severe Combined Immune Deficiency, Autosomal Recessive, TCell -Negative, B Cell-Positive, NK Cell-Positive, IL7R-Related; IMMUNODEFICIENCY 104, SEVERE COMBINED. Identifiers: MedGen C5676890, MONDO:0012163, OMIM 608971.

Submission:

Labcorp Genetics (formerly Invitae), Labcorp
Classification: Uncertain significance for Immunodeficiency 104. Last evaluated: 2017-12-17. Review status: criteria provided, single submitter. Criteria: Invitae Variant Classification Sherloc (09022015). Collection method: clinical testing. Allele origin: germline.
Comment: This variant has not been reported in the literature in individuals with PTPRC-related disease. In summary, the available evidence is currently insufficient to determine the role of this variant in disease. Therefore, it has been classified as a Variant of Uncertain Significance. Algorithms developed to predict the effect of missense changes on protein structure and function do not agree on the potential impact of this missense change (SIFT: "Deleterious"; PolyPhen-2: "Benign"; Align-GVGD: "Class C0"). This variant is not present in population databases (ExAC no frequency). This sequence change replaces proline with threonine at codon 118 of the PTPRC protein (p.Pro118Thr). The proline residue is highly conserved and there is a small physicochemical difference between proline and threonine.